The following is an entry in ClinVar:

ClinVar aggregate classification (germline): Uncertain significance. Review status: criteria provided, multiple submitters, no conflicts (2 of 4 stars). 4 submissions from 4 submitters: Uncertain significance (4). Last evaluated 2025-10-28.

Conditions:
Mitochondrial complex II deficiency, nuclear type 1. Also called: SUCCINATE CoQ REDUCTASE DEFICIENCY. Identifiers: Orphanet 3208, MedGen C5700310, MONDO:0100294, OMIM 252011.
Pheochromocytoma/paraganglioma syndrome 5. Also called: Paragangliomas 5; SDHA-Related Hereditary Paraganglioma-Pheochromocytoma Syndrome. Identifiers: Orphanet 29072, MedGen C3279992, MONDO:0013602, OMIM 614165.
Hereditary cancer-predisposing syndrome. Also called: Hereditary Cancer Syndrome; Neoplastic Syndromes, Hereditary; Tumor predisposition; Hereditary neoplastic syndrome. Identifiers: Orphanet 140162, MedGen C0027672, MeSH D009386, MONDO:0015356.

Submissions (4):

Women's Health and Genetics/Laboratory Corporation of America, LabCorp
Classification: Uncertain significance. Last evaluated: 2025-10-28. Review status: criteria provided, single submitter. Criteria: LabCorp Variant Classification Summary - May 2015. Collection method: clinical testing. Allele origin: germline.
Comment: Variant summary: SDHA c.211G>A (p.Gly71Arg) results in a non-conservative amino acid change in the encoded protein sequence. Algorithms developed to predict the effect of missense changes on protein structure and function all suggest that this variant is likely to be disruptive. The variant was absent in 251182 control chromosomes. The available data on variant occurrences in the general population are insufficient to allow any conclusion about variant significance. To our knowledge, no occurrence of c.211G>A in individuals affected with SDHA-related conditions and no experimental evidence demonstrating its impact on protein function have been reported. ClinVar contains an entry for this variant (Variation ID: 965958). Based on the evidence outlined above, the variant was classified as uncertain significance.

Ambry Genetics
Classification: Uncertain significance for Hereditary cancer-predisposing syndrome. Last evaluated: 2025-09-11. Review status: criteria provided, single submitter. Criteria: Ambry Variant Classification Scheme 2023. Collection method: clinical testing. Allele origin: germline.
Comment: The p.G71R variant (also known as c.211G>A), located in coding exon 3 of the SDHA gene, results from a G to A substitution at nucleotide position 211. The glycine at codon 71 is replaced by arginine, an amino acid with dissimilar properties. This amino acid position is conserved. In addition, this alteration is predicted to be deleterious by in silico analysis. Based on the available evidence, the clinical significance of this variant remains unclear.

GeneDx
Classification: Uncertain significance. Last evaluated: 2025-04-04. Review status: criteria provided, single submitter. Criteria: GeneDx Variant Classification Process June 2021. Collection method: clinical testing. Allele origin: germline. Affected: yes.
Comment: Not observed at significant frequency in large population cohorts (gnomAD); In silico analysis supports that this missense variant has a deleterious effect on protein structure/function; Has not been previously published as pathogenic or benign to our knowledge

Labcorp Genetics (formerly Invitae), Labcorp
Classification: Uncertain significance for Pheochromocytoma/paraganglioma syndrome 5; Mitochondrial complex II deficiency, nuclear type 1. Last evaluated: 2019-10-27. Review status: criteria provided, single submitter. Criteria: Invitae Variant Classification Sherloc (09022015). Collection method: clinical testing. Allele origin: germline.
Comment: In summary, the available evidence is currently insufficient to determine the role of this variant in disease. Therefore, it has been classified as a Variant of Uncertain Significance. Algorithms developed to predict the effect of missense changes on protein structure and function (SIFT, PolyPhen-2, Align-GVGD) all suggest that this variant is likely to be disruptive, but these predictions have not been confirmed by published functional studies and their clinical significance is uncertain. This variant has not been reported in the literature in individuals with SDHA-related conditions. This variant is not present in population databases (ExAC no frequency). This sequence change replaces glycine with arginine at codon 71 of the SDHA protein (p.Gly71Arg). The glycine residue is highly conserved and there is a moderate physicochemical difference between glycine and arginine.

NM_004168.4(SDHA):c.211G>A (p.Gly71Arg)

Gene: SDHA (succinate dehydrogenase complex flavoprotein subunit A; plus strand). Cytogenetic location: 5p15.33.
Variant type: single nucleotide variant.
Coding change: c.211G>A on transcript NM_004168.4 (MANE Select); coding-DNA position 211, G replaced by A.
Protein change: p.Gly71Arg; replaces glycine 71 with arginine.
Molecular consequence: missense variant.
Genome position (GRCh38, 1-based): chr5:224,420, G>A. VCF-style: chr5-224420-G-A. GRCh37 (hg19) VCF-style: chr5-224535-G-A.
Other names: c.211G>A, p.Gly71Arg (NM_001294332.2, NM_001330758.2); c.211G>A (NM_004168.2); short protein forms G71R.
Identifiers: ClinVar variation 965958 (VCV000965958.13), dbSNP rs1734887299, ClinGen allele CA359008493.
Genomic context (GRCh38, chr5:224,420, plus strand): 5'-ATTTCTGCTCAGTATCCAGTAGTGGATCATGAATTTGATGCAGTGGTGGTAGGCGCTGGA[G>A]GGGCAGGCTTGCGAGCTGCATTTGGCCTTTCTGAGGCAGGGTTTAATACAGCATGTGTTA-3'
Protein context (NP_004159.2, residues 61-81): EFDAVVVGAG[Gly71Arg]AGLRAAFGLS